The following is an entry in ClinVar:

NM_000632.4(ITGAM):c.1616C>T (p.Ala539Val)

Gene: ITGAM (integrin subunit alpha M; plus strand). Cytogenetic location: 16p11.2.
Variant type: single nucleotide variant.
Coding change: c.1616C>T on transcript NM_000632.4 (MANE Select); coding-DNA position 1616, C replaced by T.
Protein change: p.Ala539Val; replaces alanine 539 with valine.
Molecular consequence: missense variant.
Genome position (GRCh38, 1-based): chr16:31,297,863, C>T. VCF-style: chr16-31297863-C-T. GRCh37 (hg19) VCF-style: chr16-31309184-C-T.
Other names: c.1619C>T, p.Ala540Val (NM_001145808.2); short protein forms A539V, A540V.
Identifiers: ClinVar variation 4693371 (VCV004693371.1).
Genomic context (GRCh38, chr16:31,297,863, plus strand): 5'-GCTTTGGGGCAGCCCTAACAGTGCTGGGGGACGTAAATGGGGACAAGCTGACGGACGTGG[C>T]CATTGGGGCCCCAGGAGAGGAGGACAACCGGGGTGCTGTTTACCTGTTTCACGGAACCTC-3'
Protein context (NP_000623.2, residues 529-549): DVNGDKLTDV[Ala539Val]IGAPGEEDNR

ClinVar aggregate classification (germline): Uncertain significance (1 of 4 stars; one submission).

Submission:

Labcorp Genetics (formerly Invitae), Labcorp
Classification: Uncertain significance. Last evaluated: 2025-07-16. Review status: criteria provided, single submitter. Criteria: Invitae Variant Classification Sherloc (09022015). Collection method: clinical testing. Allele origin: germline.
Comment: This sequence change replaces alanine, which is neutral and non-polar, with valine, which is neutral and non-polar, at codon 539 of the ITGAM protein (p.Ala539Val). This variant is not present in population databases (gnomAD no frequency). This variant has not been reported in the literature in individuals affected with ITGAM-related conditions. An algorithm developed to predict the effect of missense changes on protein structure and function (PolyPhen-2) suggests that this variant is likely to be disruptive. In summary, the available evidence is currently insufficient to determine the role of this variant in disease. Therefore, it has been classified as a Variant of Uncertain Significance.